The following is an entry in ClinVar:

NM_001042492.3(NF1):c.7971-348A>G

Gene: NF1 (neurofibromin 1; plus strand). Cytogenetic location: 17q11.2.
Variant type: single nucleotide variant.
Coding change: c.7971-348A>G on transcript NM_001042492.3 (MANE Select); 348 bases into the intron before coding-DNA position 7971, A replaced by G.
Molecular consequence: intron variant.
Genome position (GRCh38, 1-based): chr17:31,358,132, A>G. VCF-style: chr17-31358132-A-G. GRCh37 (hg19) VCF-style: chr17-29685150-A-G.
Other names: c.7908-348A>G (NM_000267.4).
Identifiers: ClinVar variation 561764 (VCV000561764.3), dbSNP rs3815156, ClinGen allele CA16538116.

ClinVar aggregate classification (germline): Benign. Review status: criteria provided, multiple submitters, no conflicts (2 of 4 stars). 3 submissions from 3 submitters: Benign (3). Last evaluated 2026-08-11.

Conditions:
NF1-related disorder. Also called: NF1-related condition. Identifiers: MedGen CN379171.

Allele frequency attached by ClinVar (database versions not stated): gnomAD 0.16470 and 0.17503; TOPMed 0.17191; gnomAD exomes 0.21402; 1000 Genomes Project 30x 0.23938; 1000 Genomes Project 0.24581.
gnomAD v4.1: 69,506 of 353,120 alleles (20%); highest among the groups gnomAD compares: East Asian, 44%; 8,425 homozygotes.

Submissions (3):

PreventionGenetics, part of Exact Sciences
Classification: Benign for NF1-related condition. Last evaluated: 2026-08-11. Review status: criteria provided, single submitter. Criteria: ACMG Guidelines, 2015. Collection method: clinical testing. Allele origin: germline.
Comment: This variant is classified as benign based on ACMG/AMP sequence variant interpretation guidelines (Richards et al. 2015 PMID: 25741868, with internal and published modifications).

GeneDx
Classification: Benign. Last evaluated: 2018-06-14. Review status: criteria provided, single submitter. Criteria: GeneDx Variant Classification (06012015). Collection method: clinical testing. Allele origin: germline. Affected: yes.
Comment: This variant is considered likely benign or benign based on one or more of the following criteria: it is a conservative change, it occurs at a poorly conserved position in the protein, it is predicted to be benign by multiple in silico algorithms, and/or has population frequency not consistent with disease.

Breakthrough Genomics
Classification: Benign. Review status: criteria provided, single submitter. Criteria: ACMG Guidelines, 2015. Collection method: not provided. Allele origin: germline. Inheritance: Autosomal dominant inheritance. Affected: yes.